The following is an entry in ClinVar:

NM_000069.3(CACNA1S):c.2906+4C>A

Gene: CACNA1S (calcium voltage-gated channel subunit alpha1 S; minus strand). Cytogenetic location: 1q32.1.
Variant type: single nucleotide variant.
Coding change: c.2906+4C>A on transcript NM_000069.3 (MANE Select); 4 bases into the intron after coding-DNA position 2906, C replaced by A.
Molecular consequence: intron variant.
Genome position (GRCh38, 1-based): chr1:201,062,458, G>T on the plus strand (C>A on the coding strand, the complement: CACNA1S is on the minus strand). VCF-style: chr1-201062458-G-T. GRCh37 (hg19) VCF-style: chr1-201031586-G-T.
Identifiers: ClinVar variation 3072975 (VCV003072975.1), dbSNP rs1015286782, ClinGen allele CA36008338.

ClinVar aggregate classification (germline): Uncertain significance (1 of 4 stars; one submission).

Conditions:
Malignant hyperthermia, susceptibility to, 5 (MHS5). Also called: CACNA1S-Related Malignant Hyperthermia Susceptibility. Identifiers: Orphanet 423, MedGen C1866077, MONDO:0011163, OMIM 601887.

Allele frequency attached by ClinVar (database versions not stated): gnomAD exomes below 0.00001.
gnomAD v4.1: 3 of 1,612,662 alleles (0.00019%); highest among the groups gnomAD compares: African/African-American, 0.004%; no homozygotes.

Submission:

All of Us Research Program, National Institutes of Health
Classification: Uncertain significance for Malignant hyperthermia, susceptibility to, 5. Last evaluated: 2023-08-15. Review status: criteria provided, single submitter. Criteria: ACMG Guidelines, 2015. Collection method: clinical testing. Allele origin: germline. Inheritance: Autosomal dominant inheritance. Observed: 1 variant allele, 1 heterozygote.
Comment: This variant causes a C to A nucleotide substitution at the +4 position of intron 23 of the CACNA1S gene. To our knowledge, functional studies have not been reported for this variant. This variant has not been reported in individuals affected with CACNA1S-related disorders in the literature. This variant has not been identified in the general population by the Genome Aggregation Database (gnomAD). The available evidence is insufficient to determine the role of this variant in disease conclusively. Therefore, this variant is classified as a Variant of Uncertain Significance.

This study involves interpretation of variants in research participants for the purpose of population health screening. Participant phenotype was not available at the time of variant classification. Additional details can be found in publication PMID: 35346344, PMCID: PMC8962531